The following is an entry in ClinVar:

NM_000059.4(BRCA2):c.9515T>G (p.Leu3172Arg)

Gene: BRCA2 (BRCA2 DNA repair associated; plus strand). Cytogenetic location: 13q13.1.
Variant type: single nucleotide variant.
Coding change: c.9515T>G on transcript NM_000059.4 (MANE Select); coding-DNA position 9515, T replaced by G.
Protein change: p.Leu3172Arg; replaces leucine 3172 with arginine.
Molecular consequence: missense variant.
Genome position (GRCh38, 1-based): chr13:32,396,911, T>G. VCF-style: chr13-32396911-T-G. GRCh37 (hg19) VCF-style: chr13-32971048-T-G.
Other names: c.9419T>G, p.Leu3140Arg (NM_001406719.1); c.9464T>G, p.Leu3155Arg (NM_001406720.1); c.4583T>G, p.Leu1528Arg (NM_001406721.1); c.3098T>G, p.Leu1033Arg (NM_001406722.1); short protein forms L1528R, L3155R, L3172R, L1033R, L3140R.
Identifiers: ClinVar variation 1767233 (VCV001767233.6), dbSNP rs2137658775, ClinGen allele CA387762908.
Genomic context (GRCh38, chr13:32,396,911, plus strand): 5'-ATGTGGGTTTGCAATTTATAAAGCAGCTTTTCCACTTATTTTCTTAGAATATTGACATAC[T>G]TTGCAATGAAGCAGAAAACAAGCTTATGCATATACTGCATGCAAATGATCCCAAGTGGTC-3'
Protein context (NP_000050.3, residues 3162-3182): MKNTVENIDI[Leu3172Arg]CNEAENKLMH

ClinVar aggregate classification (germline): Uncertain significance. Review status: criteria provided, multiple submitters, no conflicts (2 of 4 stars). 3 submissions from 3 submitters: Uncertain significance (3). Last evaluated 2024-11-25.

Conditions:
Hereditary cancer-predisposing syndrome. Also called: Hereditary Cancer Syndrome; Hereditary neoplastic syndrome; Neoplastic Syndromes, Hereditary; Tumor predisposition. Identifiers: Orphanet 140162, MedGen C0027672, MeSH D009386, MONDO:0015356.
Hereditary breast ovarian cancer syndrome. Also called: Hereditary breast and ovarian cancer; BRCA1- and BRCA2-Associated Hereditary Breast and Ovarian Cancer; Hereditary breast and ovarian cancer syndrome (HBOC); Hereditary breast and ovarian cancer syndrome; Breast and ovarian cancer; Hereditary breast and/or ovarian cancer syndrome. Identifiers: Orphanet 145, MedGen C0677776, MeSH D061325, MONDO:0003582. Disease mechanism: loss of function.

Submissions (3):

Color Diagnostics, LLC DBA Color Health
Classification: Uncertain significance for Hereditary cancer-predisposing syndrome. Last evaluated: 2024-11-25. Review status: criteria provided, single submitter. Criteria: ACMG Guidelines, 2015. Collection method: clinical testing. Allele origin: germline.
Comment: This missense variant replaces leucine with arginine at codon 3172 of the BRCA2 protein. Computational prediction is inconclusive regarding the impact of this variant on protein structure and function. To our knowledge, functional studies have not been reported for this variant. This variant has not been reported in individuals affected with BRCA2-related disorders in the literature. This variant has not been identified in the general population by the Genome Aggregation Database (gnomAD). The available evidence is insufficient to determine the role of this variant in disease conclusively. Therefore, this variant is classified as a Variant of Uncertain Significance.

Labcorp Genetics (formerly Invitae), Labcorp
Classification: Uncertain significance for Hereditary breast ovarian cancer syndrome. Last evaluated: 2023-09-12. Review status: criteria provided, single submitter. Criteria: Invitae Variant Classification Sherloc (09022015). Collection method: clinical testing. Allele origin: germline.
Comment: ClinVar contains an entry for this variant (Variation ID: 1767233). This sequence change replaces leucine, which is neutral and non-polar, with arginine, which is basic and polar, at codon 3172 of the BRCA2 protein (p.Leu3172Arg). This variant is not present in population databases (gnomAD no frequency). This variant has not been reported in the literature in individuals affected with BRCA2-related conditions. Advanced modeling of protein sequence and biophysical properties (such as structural, functional, and spatial information, amino acid conservation, physicochemical variation, residue mobility, and thermodynamic stability) performed at Invitae indicates that this missense variant is not expected to disrupt BRCA2 protein function. In summary, the available evidence is currently insufficient to determine the role of this variant in disease. Therefore, it has been classified as a Variant of Uncertain Significance.

Ambry Genetics
Classification: Uncertain significance for Hereditary cancer-predisposing syndrome. Last evaluated: 2022-10-19. Review status: criteria provided, single submitter. Criteria: Ambry Variant Classification Scheme 2023. Collection method: clinical testing. Allele origin: germline.
Comment: The p.L3172R variant (also known as c.9515T>G), located in coding exon 25 of the BRCA2 gene, results from a T to G substitution at nucleotide position 9515. The leucine at codon 3172 is replaced by arginine, an amino acid with dissimilar properties. This amino acid position is conserved. In addition, the in silico prediction for this alteration is inconclusive. Since supporting evidence is limited at this time, the clinical significance of this alteration remains unclear.